The following is an entry in ClinVar:

ClinVar aggregate classification (germline): Likely pathogenic (1 of 4 stars; one submission).

Conditions:
ADCY3-related disorder. Also called: ADCY3-related condition.

Submission:

PreventionGenetics, part of Exact Sciences
Classification: Likely pathogenic for ADCY3-related condition. Last evaluated: 2025-10-07. Review status: criteria provided, single submitter. Criteria: ACMG Guidelines, 2015. Collection method: clinical testing. Allele origin: germline.
Comment: The ADCY3 c.1824delC variant is predicted to result in a frameshift and premature protein termination (p.Phe609Serfs*49). To our knowledge, this variant has not been reported in the literature or in a large population database (gnomAD), indicating this variant is rare. Loss-of-function and splicing variants in ADCY3 have been reported in patients with autosomal recessive severe obesity (Saeed et al. 2018. PubMed ID: 29311637; Grarup et al. 2018. PubMed ID: 29311636). This variant is interpreted as likely pathogenic.

NM_004036.5(ADCY3):c.1824del (p.Phe609fs)

Gene: ADCY3 (adenylate cyclase 3; minus strand). Cytogenetic location: 2p23.3.
Variant type: Deletion.
Coding change: c.1824del on transcript NM_004036.5 (MANE Select); coding-DNA position 1824, one base deleted (C; older notation c.1824delC).
Protein change: p.Phe609fs; shifts the reading frame from phenylalanine 609.
Molecular consequence: frameshift variant.
Genome position (GRCh38, 1-based): chr2:24,834,628, G deleted on the plus strand (C on the coding strand, the reverse complement: ADCY3 is on the minus strand); the first of 2 consecutive G bases (chr2:24,834,628-24,834,629); deleting either gives the same sequence. VCF-style (leftmost placement, unchanged base first): chr2-24834627-AG-A. GRCh37 (hg19) VCF-style: chr2-25057496-AG-A.
Other names: c.1824del, p.Phe609fs (NM_001320613.2, NM_001377129.1, NM_001377130.1 and 1 more transcripts); c.1890del, p.Phe631fs (NM_001377128.1); c.1101del, p.Phe368fs (NM_001377131.1); short protein forms F368fs, F609fs, F631fs.
Identifiers: ClinVar variation 4991833 (VCV004991833.1).
Genomic context (GRCh38, chr2:24,834,627, plus strand): 5'-CCTTCTCCACCGAGTAGCGGGTTTCCATCTCGGGGTCCATGAACCGCATGGACAAGAGGA[AG>A]GTGTTTCTCTTCTTTACTCTGCAGTGGGAACAAGCCCCATGAATCCCAAATGCCACATCT-3'